The following is an entry in ClinVar:

ClinVar aggregate classification (germline): Uncertain significance (1 of 4 stars; one submission).

Conditions:
Transcobalamin I deficiency (TCN1D). Also called: TCN1 DEFICIENCY; COBALAMIN PSEUDODEFICIENCY DUE TO TRANSCOBALAMIN DEFICIENCY; COBALAMIN R BINDER PROTEIN DEFICIENCY. Identifiers: Orphanet 2967, MedGen C0342700, MONDO:0008659, OMIM 193090.

Submission:

Labcorp Genetics (formerly Invitae), Labcorp
Classification: Uncertain significance for Transcobalamin I deficiency. Last evaluated: 2022-07-29. Review status: criteria provided, single submitter. Criteria: Invitae Variant Classification Sherloc (09022015). Collection method: clinical testing. Allele origin: germline.
Comment: In summary, the available evidence is currently insufficient to determine the role of this variant in disease. Therefore, it has been classified as a Variant of Uncertain Significance. Algorithms developed to predict the effect of missense changes on protein structure and function are either unavailable or do not agree on the potential impact of this missense change (SIFT: "Tolerated"; PolyPhen-2: "Possibly Damaging"; Align-GVGD: "Class C0"). This variant has not been reported in the literature in individuals affected with TCN1-related conditions. This variant is not present in population databases (gnomAD no frequency). This sequence change replaces serine, which is neutral and polar, with alanine, which is neutral and non-polar, at codon 339 of the TCN1 protein (p.Ser339Ala).

NM_001062.4(TCN1):c.1015T>G (p.Ser339Ala)

Gene: TCN1 (transcobalamin 1; minus strand). Cytogenetic location: 11q12.1.
Variant type: single nucleotide variant.
Coding change: c.1015T>G on transcript NM_001062.4 (MANE Select); coding-DNA position 1015, T replaced by G.
Protein change: p.Ser339Ala; replaces serine 339 with alanine.
Molecular consequence: missense variant.
Genome position (GRCh38, 1-based): chr11:59,854,758, A>C on the plus strand (T>G on the coding strand, the complement: TCN1 is on the minus strand). VCF-style: chr11-59854758-A-C. GRCh37 (hg19) VCF-style: chr11-59622231-A-C.
Other names: short protein forms S339A.
Identifiers: ClinVar variation 2095875 (VCV002095875.4), dbSNP rs1203212652, ClinGen allele CA380806276.
Genomic context (GRCh38, chr11:59,854,758, plus strand): 5'-GGAAGACAGAACCATTTAGCACAGTGACATTGGTGAAATATGTTTCATTGATTCTCACAG[A>C]GTAATTGACGGAGATATATGATTGTGAGTCAGGAGGTGTCACAGTTATAGGCTCATCAGC-3'
Protein context (NP_001053.2, residues 329-349): DSQSYISVNY[Ser339Ala]VRINETYFTN